The following is an entry in ClinVar:

NM_007194.4(CHEK2):c.684-7C>T

Gene: CHEK2 (checkpoint kinase 2; minus strand). Cytogenetic location: 22q12.1.
Variant type: single nucleotide variant.
Coding change: c.684-7C>T on transcript NM_007194.4 (MANE Select); 7 bases into the intron before coding-DNA position 684, C replaced by T.
Molecular consequence: intron variant.
Genome position (GRCh38, 1-based): chr22:28,712,024, G>A on the plus strand (C>T on the coding strand, the complement: CHEK2 is on the minus strand). VCF-style: chr22-28712024-G-A. GRCh37 (hg19) VCF-style: chr22-29108012-G-A.
Other names: c.21-7C>T (NM_001437942.1, NM_001257387.3); c.483-7C>T (NM_001349956.3); c.684-7C>T (NM_145862.3); c.777-7C>T (NM_001438295.1, NM_001438293.1); c.813-7C>T (NM_001438294.1, NM_001005735.3).
Identifiers: ClinVar variation 631442 (VCV000631442.15), dbSNP rs745408471, ClinGen allele CA10167905.
Genomic context (GRCh38, chr22:28,712,024, plus strand): 5'-ACTTTCTTACATGTTTTCCTCTCGAAAGCCAGCTTTACCTCTCCACAGGCACCACTAGAG[G>A]GAAAAACAAAGATAGTGATTGTCTGAATGTTTTTAATTATGAGACCTACCACTCCTGGGT-3'

ClinVar aggregate classification (germline): Conflicting classifications of pathogenicity. Review status: criteria provided, conflicting classifications (1 of 4 stars). 5 submissions from 5 submitters: Uncertain significance (2); Likely benign (3). Last evaluated 2025-06-02.

Conditions:
Hereditary cancer-predisposing syndrome. Also called: Tumor predisposition; Neoplastic Syndromes, Hereditary; Hereditary neoplastic syndrome; Hereditary Cancer Syndrome. Identifiers: Orphanet 140162, MedGen C0027672, MeSH D009386, MONDO:0015356.
Familial cancer of breast. Also called: hereditary breast carcinoma; BREAST CANCER, FAMILIAL; Hereditary breast cancer. Identifiers: Orphanet 227535, MedGen C0346153, MONDO:0016419, OMIM 114480. Disease mechanism: loss of function.

Allele frequency attached by ClinVar (database versions not stated): gnomAD exomes below 0.00001; ExAC 0.00001.

Submissions (5):

Molecular Diagnostics Laboratory, Catalan Institute of Oncology
Classification: Uncertain significance for Hereditary cancer-predisposing syndrome. Last evaluated: 2025-06-02. Review status: criteria provided, single submitter. Criteria: ACMG Guidelines, 2015. Collection method: clinical testing. Allele origin: germline.
Comment: PM2_Supporting, BP4 CHEK2 c.684-7C>T is an intronic variant located close to a canonical splice site. This variant is not present in the gnomAD v2.1.1 database (non-cancer data set)(PM2_Supporting). The SpliceAI algorithm predicts no significant impact on splicing (BP4). The variant has been identified in the ClinVar (1x uncertain significance, 3x likely benign) but it has not been identified in LOVD database. To our knowledge, functional studies have not been reported for this variant. Based on currently available information, the variant c.684-7C>T should be considered an uncertain significance variant.

Myriad Genetics, Inc.
Classification: Likely benign for Familial cancer of breast. Last evaluated: 2024-10-03. Review status: criteria provided, single submitter. Criteria: Myriad Autosomal Dominant, Autosomal Recessive and X-Linked Classification Criteria (2023). Collection method: clinical testing. Allele origin: unknown.
Comment: This variant is considered likely benign. This variant is intronic and is not expected to impact mRNA splicing.

Labcorp Genetics (formerly Invitae), Labcorp
Classification: Likely benign for Familial cancer of breast. Last evaluated: 2023-10-14. Review status: criteria provided, single submitter. Criteria: Invitae Variant Classification Sherloc (09022015). Collection method: clinical testing. Allele origin: germline.

Quest Diagnostics Nichols Institute San Juan Capistrano
Classification: Uncertain significance. Last evaluated: 2023-06-26. Review status: criteria provided, single submitter. Criteria: Quest Diagnostics criteria. Collection method: clinical testing. Allele origin: unknown.
Comment: To the best of our knowledge, this variant has not been reported in the published literature. It also has not been reported in large, multi-ethnic general populations (Genome Aggregation Database). Analysis of this variant using software algorithms for the prediction of the effect of nucleotide changes on splicing yielded predictions that this variant does not affect CHEK2 mRNA splicing . Based on the available information, we are unable to determine the clinical significance of this variant.

Color Diagnostics, LLC DBA Color Health
Classification: Likely benign for Hereditary cancer-predisposing syndrome. Last evaluated: 2022-04-18. Review status: criteria provided, single submitter. Criteria: ACMG Guidelines, 2015. Collection method: clinical testing. Allele origin: germline.